The following is an entry in ClinVar:

ClinVar aggregate classification (germline): Pathogenic/Likely pathogenic. Review status: criteria provided, multiple submitters, no conflicts (2 of 4 stars). 2 submissions from 2 submitters: Pathogenic (1); Likely pathogenic (1). Last evaluated 2024-09-26.

Conditions:
Osteogenesis imperfecta type I (OI1). Also called: OI, TYPE I; OSTEOGENESIS IMPERFECTA TARDA; OSTEOGENESIS IMPERFECTA WITH BLUE SCLERAE; Osteogenesis imperfecta type 1; Lobstein's Disease; Lobstein disease. Identifiers: Orphanet 216796, Orphanet 666, MedGen C0023931, MONDO:0008146, OMIM 166200. Disease mechanism: loss of function.
Ehlers-Danlos syndrome, classic type, 1 (EDSCL1). Also called: EHLERS-DANLOS SYNDROME, GRAVIS TYPE; EHLERS-DANLOS SYNDROME, SEVERE CLASSIC TYPE; Ehlers-Danlos syndrome, type 1; EDS I; Ehlers-Danlos Syndrome, Classic Type, COL5A1-Related. Identifiers: MedGen C0268335, MONDO:0019567, OMIM 130000.

Submissions (2):

Labcorp Genetics (formerly Invitae), Labcorp
Classification: Pathogenic for Osteogenesis imperfecta type I; Ehlers-Danlos syndrome, classic type, 1. Last evaluated: 2024-09-26. Review status: criteria provided, single submitter. Criteria: Invitae Variant Classification Sherloc (09022015). Collection method: clinical testing. Allele origin: germline.
Comment: This sequence change replaces aspartic acid, which is acidic and polar, with asparagine, which is neutral and polar, at codon 1120 of the COL1A2 protein (p.Asp1120Asn). This variant is not present in population databases (gnomAD no frequency). This missense change has been observed in individuals with clinical features of autosomal dominant osteogenesis imperfecta (PMID: 27264419, 29669177; internal data). It has also been observed to segregate with disease in related individuals. ClinVar contains an entry for this variant (Variation ID: 1380342). Invitae Evidence Modeling of protein sequence and biophysical properties (such as structural, functional, and spatial information, amino acid conservation, physicochemical variation, residue mobility, and thermodynamic stability) indicates that this missense variant is not expected to disrupt COL1A2 protein function with a negative predictive value of 80%. This variant disrupts the p.Asp1120 amino acid residue in COL1A2. Other variant(s) that disrupt this residue have been observed in individuals with COL1A2-related conditions (PMID: 28916840, 29669177), which suggests that this may be a clinically significant amino acid residue. For these reasons, this variant has been classified as Pathogenic.

Mayo Clinic Laboratories, Mayo Clinic
Classification: Likely pathogenic. Last evaluated: 2024-07-29. Review status: criteria provided, single submitter. Criteria: ACMG Guidelines, 2015. Collection method: clinical testing. Allele origin: germline. Observed: 1 variant allele.
Comment: PP1_strong, PM2, PS4_moderate

Literature cited by the submitters: PubMed 27264419 (cited by Labcorp Genetics (formerly Invitae), Labcorp and Mayo Clinic Laboratories, Mayo Clinic); PubMed 29669177 (cited by Labcorp Genetics (formerly Invitae), Labcorp and Mayo Clinic Laboratories, Mayo Clinic); PubMed 28916840 (cited by Labcorp Genetics (formerly Invitae), Labcorp and Mayo Clinic Laboratories, Mayo Clinic).

NM_000089.4(COL1A2):c.3358G>A (p.Asp1120Asn)

Gene: COL1A2 (collagen type I alpha 2 chain; plus strand). Cytogenetic location: 7q21.3.
Variant type: single nucleotide variant.
Coding change: c.3358G>A on transcript NM_000089.4 (MANE Select); coding-DNA position 3358, G replaced by A.
Protein change: p.Asp1120Asn; replaces aspartic acid 1120 with asparagine.
Molecular consequence: missense variant.
Genome position (GRCh38, 1-based): chr7:94,427,717, G>A. VCF-style: chr7-94427717-G-A. GRCh37 (hg19) VCF-style: chr7-94057029-G-A.
Other names: p.Asp1120Asn; short protein forms D1120N.
Identifiers: ClinVar variation 1380342 (VCV001380342.7), dbSNP rs2115959912, ClinGen allele CA368225802.